The following is an entry in ClinVar:

NM_004168.4(SDHA):c.1943C>G (p.Thr648Ser)

Gene: SDHA (succinate dehydrogenase complex flavoprotein subunit A; plus strand). Cytogenetic location: 5p15.33.
Variant type: single nucleotide variant.
Coding change: c.1943C>G on transcript NM_004168.4 (MANE Select); coding-DNA position 1943, C replaced by G.
Protein change: p.Thr648Ser; replaces threonine 648 with serine.
Molecular consequence: missense variant.
Genome position (GRCh38, 1-based): chr5:256,368, C>G. VCF-style: chr5-256368-C-G. GRCh37 (hg19) VCF-style: chr5-256483-C-G.
Other names: c.1799C>G, p.Thr600Ser (NM_001294332.2); c.1700C>G, p.Thr567Ser (NM_001330758.2); short protein forms T648S, T567S, T600S.
Identifiers: ClinVar variation 472377 (VCV000472377.11), dbSNP rs1420345359, ClinGen allele CA359002836.

ClinVar aggregate classification (germline): Uncertain significance. Review status: criteria provided, multiple submitters, no conflicts (2 of 4 stars). 3 submissions from 3 submitters: Uncertain significance (3). Last evaluated 2025-08-22.

Conditions:
Mitochondrial complex II deficiency, nuclear type 1. Also called: SUCCINATE CoQ REDUCTASE DEFICIENCY. Identifiers: Orphanet 3208, MedGen C5700310, MONDO:0100294, OMIM 252011.
Pheochromocytoma/paraganglioma syndrome 5. Also called: Paragangliomas 5; SDHA-Related Hereditary Paraganglioma-Pheochromocytoma Syndrome. Identifiers: Orphanet 29072, MedGen C3279992, MONDO:0013602, OMIM 614165.
Dilated cardiomyopathy 1GG (CMD1GG). Identifiers: Orphanet 154, MedGen C3150898, MONDO:0013339, OMIM 613642.
Hereditary cancer-predisposing syndrome. Also called: Neoplastic Syndromes, Hereditary; Hereditary Cancer Syndrome; Hereditary neoplastic syndrome; Tumor predisposition. Identifiers: Orphanet 140162, MedGen C0027672, MeSH D009386, MONDO:0015356.

Allele frequency attached by ClinVar (database versions not stated): gnomAD exomes below 0.00001; gnomAD 0.00001; TOPMed 0.00001.
gnomAD v4.1: 3 of 1,602,008 alleles (0.00019%); highest among the groups gnomAD compares: Non-Finnish European, 0.00026%; no homozygotes.

Submissions (3):

Labcorp Genetics (formerly Invitae), Labcorp
Classification: Uncertain significance for Pheochromocytoma/paraganglioma syndrome 5; Mitochondrial complex II deficiency, nuclear type 1. Last evaluated: 2025-08-22. Review status: criteria provided, single submitter. Criteria: Invitae Variant Classification Sherloc (09022015). Collection method: clinical testing. Allele origin: germline.
Comment: This sequence change replaces threonine, which is neutral and polar, with serine, which is neutral and polar, at codon 648 of the SDHA protein (p.Thr648Ser). This variant is present in population databases (no rsID available, gnomAD 0.0009%). This variant has not been reported in the literature in individuals affected with SDHA-related conditions. ClinVar contains an entry for this variant (Variation ID: 472377). Invitae Evidence Modeling of protein sequence and biophysical properties (such as structural, functional, and spatial information, amino acid conservation, physicochemical variation, residue mobility, and thermodynamic stability) indicates that this missense variant is not expected to disrupt SDHA protein function with a negative predictive value of 95%. In summary, the available evidence is currently insufficient to determine the role of this variant in disease. Therefore, it has been classified as a Variant of Uncertain Significance.

Ambry Genetics
Classification: Uncertain significance for Hereditary cancer-predisposing syndrome. Last evaluated: 2024-07-29. Review status: criteria provided, single submitter. Criteria: Ambry Variant Classification Scheme 2023. Collection method: clinical testing. Allele origin: germline.
Comment: The p.T648S variant (also known as c.1943C>G), located in coding exon 15 of the SDHA gene, results from a C to G substitution at nucleotide position 1943. The threonine at codon 648 is replaced by serine, an amino acid with similar properties. This amino acid position is well conserved in available vertebrate species. In addition, the in silico prediction for this alteration is inconclusive. Since supporting evidence is limited at this time, the clinical significance of this alteration remains unclear.

Baylor Genetics
Classification: Uncertain significance for Dilated cardiomyopathy 1GG. Last evaluated: 2023-12-11. Review status: criteria provided, single submitter. Criteria: ACMG Guidelines, 2015. Collection method: clinical testing. Allele origin: unknown.